The following is an entry in ClinVar:

ClinVar aggregate classification (germline): Benign. Review status: criteria provided, multiple submitters, no conflicts (2 of 4 stars). 2 submissions from 2 submitters: Benign (2). Last evaluated 2017-04-27.

Conditions:
Fanconi anemia complementation group C (FANCC). Also called: FANCONI PANCYTOPENIA, TYPE 3; FACC; FANCC-Related Fanconi Anemia; Fanconi anemia, group C. Identifiers: Orphanet 84, MedGen C3468041, MONDO:0009213, OMIM 227645.

Allele frequency attached by ClinVar (database versions not stated): 1000 Genomes Project 0.00978; 1000 Genomes Project 30x 0.01077; TOPMed 0.01110.
gnomAD v4.1: 1,776 of 232,280 alleles (0.76%); highest among the groups gnomAD compares: African/African-American, 3.7%; 30 homozygotes.

Submissions (2):

Illumina Laboratory Services, Illumina
Classification: Benign for Fanconi anemia complementation group C. Last evaluated: 2017-04-27. Review status: criteria provided, single submitter. Criteria: ICSL Variant Classification Criteria 13 December 2019. Collection method: clinical testing. Allele origin: germline.
Comment: This variant was observed as part of a predisposition screen in an ostensibly healthy population. A literature search was performed for the gene, cDNA change, and amino acid change (where applicable). No publications were found based on this search. Allele frequency data from public databases was too high to be consistent with this variant causing disease. Therefore, this variant is classified as benign.

Breakthrough Genomics
Classification: Benign. Review status: criteria provided, single submitter. Criteria: ACMG Guidelines, 2015. Collection method: not provided. Allele origin: germline. Inheritance: Autosomal recessive inheritance. Affected: yes.

NM_000136.3(FANCC):c.*1727T>A

Genes: AOPEP (aminopeptidase O (putative); plus strand), FANCC (FA complementation group C; minus strand). Cytogenetic location: 9q22.32.
Variant type: single nucleotide variant.
Coding change: c.*1727T>A on transcript NM_000136.3 (MANE Select); 1727 bases downstream of the stop codon, T replaced by A.
Molecular consequence: 3 prime UTR variant.
Genome position (GRCh38, 1-based): chr9:95,099,980, A>T on the plus strand (T>A on the coding strand, the complement: FANCC is on the minus strand). VCF-style: chr9-95099980-A-T. GRCh37 (hg19) VCF-style: chr9-97862262-A-T.
Other names: c.*1727T>A (NM_001243743.2).
Identifiers: ClinVar variation 912467 (VCV000912467.5), dbSNP rs4647557, ClinGen allele CA196535396.
Genomic context (GRCh38, chr9:95,099,980, plus strand): 5'-AACCCTGTACACAGGACCACAGGACAGGGTGGAGGACTGTCCCAGGAGTCCCTCCACAAC[A>T]GGAGGCCTGGTCCCAGTGGCCCCTCTCTCTAGGGGTTCCCTGCTGCCACCATGTCCACAG-3'